The following is an entry in ClinVar:

ClinVar aggregate classification (germline): Uncertain significance (1 of 4 stars; one submission).

Conditions:
CHARGE syndrome (CHARGE). Also called: Hittner Hirsch Kreh syndrome; CHARGE ASSOCIATION--COLOBOMA, HEART ANOMALY, CHOANAL ATRESIA, RETARDATION, GENITAL AND EAR ANOMALIES; Coloboma, heart anomaly, choanal atresia, retardation, genital and ear anomalies; CHARGE association; Hall-Hittner syndrome. Identifiers: Orphanet 138, MedGen C0265354, MONDO:0008965.

Submission:

Labcorp Genetics (formerly Invitae), Labcorp
Classification: Uncertain significance for CHARGE syndrome. Last evaluated: 2024-02-11. Review status: criteria provided, single submitter. Criteria: Invitae Variant Classification Sherloc (09022015). Collection method: clinical testing. Allele origin: germline.
Comment: This sequence change replaces histidine, which is basic and polar, with arginine, which is basic and polar, at codon 1734 of the CHD7 protein (p.His1734Arg). This variant is not present in population databases (gnomAD no frequency). This variant has not been reported in the literature in individuals affected with CHD7-related conditions. Advanced modeling of protein sequence and biophysical properties (such as structural, functional, and spatial information, amino acid conservation, physicochemical variation, residue mobility, and thermodynamic stability) has been performed at Invitae for this missense variant, however the output from this modeling did not meet the statistical confidence thresholds required to predict the impact of this variant on CHD7 protein function. In summary, the available evidence is currently insufficient to determine the role of this variant in disease. Therefore, it has been classified as a Variant of Uncertain Significance.

NM_017780.4(CHD7):c.5201A>G (p.His1734Arg)

Gene: CHD7 (chromodomain helicase DNA binding protein 7; plus strand). Cytogenetic location: 8q12.2.
Variant type: single nucleotide variant.
Coding change: c.5201A>G on transcript NM_017780.4 (MANE Select); coding-DNA position 5201, A replaced by G.
Protein change: p.His1734Arg; replaces histidine 1734 with arginine.
Molecular consequence: missense variant. On other transcripts: intron variant (1).
Genome position (GRCh38, 1-based): chr8:60,845,400, A>G. VCF-style: chr8-60845400-A-G. GRCh37 (hg19) VCF-style: chr8-61757959-A-G.
Other names: c.1717-16829A>G (NM_001316690.1); short protein forms H1734R.
Identifiers: ClinVar variation 3669908 (VCV003669908.2).